The following is an entry in ClinVar:

NM_005857.5(ZMPSTE24):c.207_208del (p.Tyr70fs)

Gene: ZMPSTE24 (zinc metallopeptidase STE24; plus strand). Cytogenetic location: 1p34.2.
Variant type: Microsatellite.
Coding change: c.207_208del on transcript NM_005857.5 (MANE Select); coding-DNA positions 207 to 208, 2 bases deleted (CT; older notation c.207_208delCT).
Protein change: p.Tyr70fs; shifts the reading frame from tyrosine 70.
Molecular consequence: frameshift variant.
Genome position (GRCh38, 1-based): chr1:40,260,922-40,260,923, CT deleted; deleting any 2 consecutive bases within chr1:40,260,920-40,260,923 gives the same sequence; the c. name uses the placement nearest the transcript's 3' end. VCF-style (leftmost placement, unchanged base first): chr1-40260919-ACT-A. GRCh37 (hg19) VCF-style: chr1-40726591-ACT-A.
Other names: short protein forms Y70fs.
Identifiers: ClinVar variation 140521 (VCV000140521.1), dbSNP rs281875362, ClinGen allele CA232741.

ClinVar aggregate classification (germline): not provided (0 of 4 stars; one submission).

Submission:

ZMPSTE24 homepage - Leiden Muscular Dystrophy pages
No classification provided. Review status: no classification provided. Collection method: not provided. Allele origin: de novo.
Comment: has functional consequence